The following is an entry in ClinVar:

ClinVar aggregate classification (germline): Uncertain significance (1 of 4 stars; one submission).

Allele frequency attached by ClinVar (database versions not stated): gnomAD exomes below 0.00001.
gnomAD v4.1: 2 of 1,614,074 alleles (0.00012%); highest among the groups gnomAD compares: Admixed American, 0.0017%; no homozygotes.

Submission:

GeneDx
Classification: Uncertain significance. Last evaluated: 2019-10-10. Review status: criteria provided, single submitter. Criteria: GeneDx Variant Classification Process June 2021. Collection method: clinical testing. Allele origin: germline. Affected: yes.
Comment: Not observed at a significant frequency in large population cohorts (Lek et al., 2016); In silico analysis, which includes protein predictors and evolutionary conservation, supports a deleterious effect; Has not been previously published as pathogenic or benign to our knowledge

NM_017837.4(PIGV):c.368A>G (p.Asn123Ser)

Gene: PIGV (phosphatidylinositol glycan anchor biosynthesis class V; plus strand). Cytogenetic location: 1p36.11.
Variant type: single nucleotide variant.
Coding change: c.368A>G on transcript NM_017837.4 (MANE Select); coding-DNA position 368, A replaced by G.
Protein change: p.Asn123Ser; replaces asparagine 123 with serine.
Molecular consequence: missense variant. On other transcripts: 5 prime UTR variant (1), non-coding transcript variant (1), intron variant (3).
Genome position (GRCh38, 1-based): chr1:26,794,402, A>G. VCF-style: chr1-26794402-A-G. GRCh37 (hg19) VCF-style: chr1-27120893-A-G.
Other names: c.368A>G, p.Asn123Ser (NM_001202554.2, NM_001374478.1, NM_001374480.1 and 2 more transcripts); c.-14A>G (NM_001374483.1); c.172+196A>G (NM_001374484.1, NM_001374485.1); c.79-3161A>G (NM_001374486.1); short protein forms N123S.
Identifiers: ClinVar variation 1308960 (VCV001308960.2), dbSNP rs1267164610, ClinGen allele CA339199597.